The following is an entry in ClinVar:

NM_000213.5(ITGB4):c.1660C>T (p.Arg554Ter)

Gene: ITGB4 (integrin subunit beta 4; plus strand). Cytogenetic location: 17q25.1.
Variant type: single nucleotide variant.
Coding change: c.1660C>T on transcript NM_000213.5 (MANE Select); coding-DNA position 1660, C replaced by T.
Protein change: p.Arg554Ter; replaces arginine 554 with a stop codon.
Molecular consequence: nonsense.
Genome position (GRCh38, 1-based): chr17:75,736,053, C>T. VCF-style: chr17-75736053-C-T. GRCh37 (hg19) VCF-style: chr17-73732134-C-T.
Other names: c.1660C>T, p.Arg554Ter (NM_001005619.2, NM_001005731.3, NM_001321123.2); short protein forms R554*.
Identifiers: ClinVar variation 14733 (VCV000014733.4), dbSNP rs121912462, ClinGen allele CA257299.
Genomic context (GRCh38, chr17:75,736,053, plus strand): 5'-AGCCTGGACTACAGGCACAGATGTAGCTCTCATCTCCCTTCCTTGTCCCTCTCTGCAGAC[C>T]GAGGACGCTGCTCCATGGGCCAGTGTGTGTGTGAGCCTGGTTGGACAGGCCCAAGCTGTG-3'

ClinVar aggregate classification (germline): Pathogenic. Review status: criteria provided, multiple submitters, no conflicts (2 of 4 stars). 3 submissions from 3 submitters: Pathogenic (2). 1 of the submissions does not count toward it. Last evaluated 2025-06-28.

Conditions:
Epidermolysis bullosa, junctional 5A, intermediate. Also called: EPIDERMOLYSIS BULLOSA, JUNCTIONAL 5A, GENERALIZED INTERMEDIATE; EPIDERMOLYSIS BULLOSA, JUNCTIONAL 5A, NON-HERLITZ TYPE. Identifiers: MedGen C5676956, MONDO:0030768, OMIM 619816.
Junctional epidermolysis bullosa with pyloric atresia. Also called: Epidermolysis bullosa, junctional, with pyloric atresia and aplasia cutis congenita; Epidermolysis bullosa junctionalis with pyloric atresia; APLASIA CUTIS CONGENITA WITH GASTROINTESTINAL ATRESIA; CARMI SYNDROME; EPIDERMOLYSIS BULLOSA, JUNCTIONAL 5B, WITH PYLORIC ATRESIA; EB-PA-ACC. Identifiers: Orphanet 79403, MedGen C5676875, MONDO:0009183, OMIM 226730.

Allele frequency attached by ClinVar (database versions not stated): gnomAD exomes below 0.00001; ExAC 0.00001.
gnomAD v4.1: 6 of 1,613,854 alleles (0.00037%); highest among the groups gnomAD compares: Admixed American, 0.0017%; no homozygotes.

Submissions (3):

Labcorp Genetics (formerly Invitae), Labcorp
Classification: Pathogenic. Last evaluated: 2025-06-28. Review status: criteria provided, single submitter. Criteria: Invitae Variant Classification Sherloc (09022015). Collection method: clinical testing. Allele origin: germline.
Comment: This sequence change creates a premature translational stop signal (p.Arg554*) in the ITGB4 gene. It is expected to result in an absent or disrupted protein product. Loss-of-function variants in ITGB4 are known to be pathogenic (PMID: 11328943, 16473856). This variant is present in population databases (rs121912462, gnomAD 0.003%). This premature translational stop signal has been observed in individual(s) with epidermolysis bullosa with pyloric atresia (PMID: 9546354). ClinVar contains an entry for this variant (Variation ID: 14733). For these reasons, this variant has been classified as Pathogenic.

Fulgent Genetics
Classification: Pathogenic for Junctional epidermolysis bullosa with pyloric atresia; Epidermolysis bullosa, junctional 5A, intermediate. Last evaluated: 2024-05-08. Review status: criteria provided, single submitter. Criteria: ACMG Guidelines, 2015. Collection method: clinical testing. Allele origin: germline.

OMIM
Classification: Pathogenic for EPIDERMOLYSIS BULLOSA, JUNCTIONAL 5B, WITH PYLORIC ATRESIA. Last evaluated: 1998-04-01. Review status: no assertion criteria provided. Collection method: literature only. Allele origin: germline. Not counted in ClinVar's aggregate classification.

Literature cited by the submitters: PubMed 11328943 (cited by Labcorp Genetics (formerly Invitae), Labcorp); PubMed 16473856 (cited by Labcorp Genetics (formerly Invitae), Labcorp); PubMed 9546354 (cited by Labcorp Genetics (formerly Invitae), Labcorp and OMIM).